The following is an entry in ClinVar:

NM_000061.3(BTK):c.946A>G (p.Thr316Ala)

Gene: BTK (Bruton tyrosine kinase; minus strand). Cytogenetic location: Xq22.1.
Variant type: single nucleotide variant.
Coding change: c.946A>G on transcript NM_000061.3 (MANE Select); coding-DNA position 946, A replaced by G.
Protein change: p.Thr316Ala; replaces threonine 316 with alanine.
Molecular consequence: missense variant.
Genome position (GRCh38, 1-based): chrX:101,358,645, T>C on the plus strand (A>G on the coding strand, the complement: BTK is on the minus strand). VCF-style: chrX-101358645-T-C. GRCh37 (hg19) VCF-style: chrX-100613633-T-C.
Other names: c.1048A>G, p.Thr350Ala (NM_001287344.2); c.946A>G, p.Thr316Ala (NM_001287345.2); short protein forms T316A, T350A.
Identifiers: ClinVar variation 3389456 (VCV003389456.14).

ClinVar aggregate classification (germline): Likely pathogenic (1 of 4 stars; one submission).

Submission:

CeGaT Center for Human Genetics Tuebingen
Classification: Likely pathogenic. Last evaluated: 2024-10-01. Review status: criteria provided, single submitter. Criteria: CeGaT Center For Human Genetics Tuebingen Variant Classification Criteria Version 2. Collection method: clinical testing. Allele origin: germline. Affected: yes. Observed: 1 variant allele.
Comment: BTK: PM2, PS4:Moderate, PP2, PP3, PP4